The following is an entry in ClinVar:

ClinVar aggregate classification (germline): Conflicting classifications of pathogenicity. Review status: criteria provided, conflicting classifications (1 of 4 stars). 11 submissions from 11 submitters: Uncertain significance (8); Likely benign (3). Last evaluated 2026-06-10.

Conditions:
Inborn genetic diseases. Identifiers: MedGen C0950123, MeSH D030342.
Spastic paraplegia. Identifiers: MedGen C0037772, HP:0001258.
Charlevoix-Saguenay spastic ataxia (SACS). Also called: SPASTIC ATAXIA 6, AUTOSOMAL RECESSIVE; AUTOSOMAL RECESSIVE SPASTIC ATAXIA OF CHARLEVOIX-SAGUENAY; Spastic ataxia of Charlevoix-Saguenay. Identifiers: Orphanet 98, MedGen C1849140, MONDO:0010041, OMIM 270550.

Allele frequency attached by ClinVar (database versions not stated): gnomAD 0.00017 and 0.00019; ExAC 0.00027; gnomAD exomes 0.00027 and 0.00028; TOPMed 0.00028; ESP Exome Variant Server 0.00031.
gnomAD v4.1: 431 of 1,613,760 alleles (0.027%); highest among the groups gnomAD compares: Non-Finnish European, 0.024%; no homozygotes.

Submissions (11):

Women's Health and Genetics/Laboratory Corporation of America, LabCorp
Classification: Uncertain significance. Last evaluated: 2026-06-10. Review status: criteria provided, single submitter. Criteria: LabCorp Variant Classification Summary - May 2015. Collection method: clinical testing. Allele origin: germline.
Comment: Variant summary: SACS c.7140T>A (p.Asn2380Lys) results in a non-conservative amino acid change in the encoded protein sequence. Algorithms developed to predict the effect of missense changes on protein structure and function are either unavailable or do not agree on the potential impact of this missense change. The variant allele was found at a frequency of 0.00028 in 250434 control chromosomes. This frequency is not significantly higher than estimated for disease-causing variants in SACS, allowing no conclusion about variant significance. c.7140T>A has been observed in individual(s) affected with SACS-related conditions (e.g. Blumkin_2015) . These report(s) do not provide unequivocal conclusions about association of the variant with disease. One publication reports experimental evidence evaluating an impact on protein function showing altered mitochondrial morphology and decreased mitochondrial numbers per cell (Blumkin_2015), however, does not allow convincing conclusions about the variant effect. The following publication has been ascertained in the context of this evaluation (PMID: 25819952). ClinVar contains an entry for this variant (Variation ID: 285241). Based on the evidence outlined above, the variant was classified as uncertain significance.

Labcorp Genetics (formerly Invitae), Labcorp
Classification: Likely benign for Spastic paraplegia. Last evaluated: 2026-01-06. Review status: criteria provided, single submitter. Criteria: Invitae Variant Classification Sherloc (09022015). Collection method: clinical testing. Allele origin: germline.

Blueprint Genetics
Classification: Uncertain significance. Last evaluated: 2024-11-18. Review status: criteria provided, single submitter. Criteria: ACMG Guidelines, 2015. Collection method: clinical testing. Allele origin: germline.

Ambry Genetics
Classification: Likely benign for Inborn genetic diseases. Last evaluated: 2022-05-04. Review status: criteria provided, single submitter. Criteria: Ambry Variant Classification Scheme 2023. Collection method: clinical testing. Allele origin: germline.

Genome-Nilou Lab
Classification: Uncertain significance for Charlevoix-Saguenay spastic ataxia. Last evaluated: 2021-09-05. Review status: criteria provided, single submitter. Criteria: ACMG Guidelines, 2015. Collection method: clinical testing. Allele origin: germline. Affected: no.

Athena Diagnostics
Classification: Likely benign. Last evaluated: 2020-09-29. Review status: criteria provided, single submitter. Criteria: Athena Diagnostics criteria. Collection method: clinical testing. Allele origin: unknown.

Mayo Clinic Laboratories, Mayo Clinic
Classification: Uncertain significance. Last evaluated: 2019-10-06. Review status: criteria provided, single submitter. Criteria: ACMG Guidelines, 2015. Collection method: clinical testing. Allele origin: germline. Observed: 3 variant alleles.

GeneDx
Classification: Uncertain significance. Last evaluated: 2019-06-12. Review status: criteria provided, single submitter. Criteria: GeneDx Variant Classification Process June 2021. Collection method: clinical testing. Allele origin: germline. Affected: yes.
Comment: Reported in a patient in the published literature with ataxia and muscle weakness who has another variant on the opposite allele (Kuperberg et al., 2016); In silico analysis, which includes protein predictors and evolutionary conservation, supports that this variant does not alter protein structure/function; This variant is associated with the following publications: (PMID: 25819952, 27572814, 19779133)

Illumina Laboratory Services, Illumina
Classification: Uncertain significance for Charlevoix-Saguenay spastic ataxia. Last evaluated: 2017-04-27. Review status: criteria provided, single submitter. Criteria: ICSL Variant Classification Criteria 13 December 2019. Collection method: clinical testing. Allele origin: germline.

CeGaT Center for Human Genetics Tuebingen
Classification: Uncertain significance. Last evaluated: 2017-04-01. Review status: criteria provided, single submitter. Criteria: CeGaT Center For Human Genetics Tuebingen Variant Classification Criteria Version 2. Collection method: clinical testing. Allele origin: germline. Affected: yes. Observed: 1 variant allele.

Eurofins Ntd Llc (ga)
Classification: Uncertain significance. Last evaluated: 2015-12-07. Review status: criteria provided, single submitter. Criteria: EGL Classification Definitions 2015. Collection method: clinical testing. Allele origin: germline. Observed: 1 variant allele, 1 heterozygote.

Literature cited by the submitters: PubMed 19779133 (cited by Women's Health and Genetics/Laboratory Corporation of America, LabCorp and Athena Diagnostics); PubMed 25819952 (cited by Women's Health and Genetics/Laboratory Corporation of America, LabCorp and Athena Diagnostics).

NM_014363.6(SACS):c.7140T>A (p.Asn2380Lys)

Gene: SACS (sacsin molecular chaperone; minus strand). Cytogenetic location: 13q12.12.
Variant type: single nucleotide variant.
Coding change: c.7140T>A on transcript NM_014363.6 (MANE Select); coding-DNA position 7140, T replaced by A.
Protein change: p.Asn2380Lys; replaces asparagine 2380 with lysine.
Molecular consequence: missense variant.
Genome position (GRCh38, 1-based): chr13:23,336,736, A>T on the plus strand (T>A on the coding strand, the complement: SACS is on the minus strand). VCF-style: chr13-23336736-A-T. GRCh37 (hg19) VCF-style: chr13-23910875-A-T.
Other names: c.6699T>A, p.Asn2233Lys (NM_001278055.2); short protein forms N2380K, N2233K.
Identifiers: ClinVar variation 285241 (VCV000285241.71), dbSNP rs61754478, ClinGen allele CA6910967.